The following is an entry in ClinVar:

ClinVar aggregate classification (germline): Benign/Likely benign. Review status: criteria provided, multiple submitters, no conflicts (2 of 4 stars). 15 submissions from 10 submitters: Benign (14); Likely benign (1). Last evaluated 2026-01-27.

Conditions:
Charcot-Marie-Tooth disease. Also called: Charcot-Marie-Tooth Hereditary Neuropathy; Charcot-Marie-Tooth Neuropathy. Identifiers: Orphanet 166, MedGen C0007959, MONDO:0015626.
Metatropic dysplasia (MTD). Also called: Metatropic Dysplasia, TRPV4-Related; Metatropic dysplasia, nonlethal dominant; METATROPIC DWARFISM. Identifiers: Orphanet 2635, MedGen C0265281, MONDO:0007986, OMIM 156530.
Spondylometaphyseal dysplasia, Kozlowski type (SMDK). Also called: Spondylometaphyseal Dysplasia, TRPV4-Related (Kozlowski Type); Dysmorphism arthrogryposis skeletal maturation advanced; Jequier-Kozlowski syndrome; Skeletal dysplasia Jequier-Kozlowski type; SMD Kozlowski type. Identifiers: Orphanet 93314, MedGen C0265280, MONDO:0008477, OMIM 184252.
Spondyloepimetaphyseal dysplasia, Maroteaux type (SEDM). Also called: Spondyloepimetaphyseal Dysplasia, TRPV4-Related (Maroteaux Type); SED, MAROTEAUX TYPE; PSEUDO-MORQUIO SYNDROME, TYPE 2. Identifiers: Orphanet 263482, MedGen C3159322, MONDO:0008473, OMIM 184095.
Brachyrachia (short spine dysplasia) (BCYM3). Also called: Brachyolmia, TRPV4-Related; Brachyolmia Type 3; BRACHYRACHIA; Autosomal dominant brachyolmia. Identifiers: Orphanet 93304, MedGen C0432227, MONDO:0007232, OMIM 113500.
Scapuloperoneal spinal muscular atrophy (SPSMA). Also called: Scapuloperoneal Spinal Muscular Atrophy, TRPV4-Related; AMYOTROPHY, NEUROGENIC SCAPULOPERONEAL, NEW ENGLAND TYPE; Scapuloperoneal Form of Spinal Muscular Atrophy; Scapuloperoneal spinal muscular atrophy, autosomal dominant. Identifiers: Orphanet 431255, MedGen C0751335, MONDO:0008408, OMIM 181405.
Avascular necrosis of femoral head, primary, 2 (ANFH2). Identifiers: MedGen C4479260, MONDO:0054551, OMIM 617383.
Parastremmatic dwarfism. Identifiers: Orphanet 2646, MedGen C1868616, MONDO:0008196, OMIM 168400.
Neuronopathy, distal hereditary motor, autosomal dominant 8. Also called: SPINAL MUSCULAR ATROPHY, CONGENITAL BENIGN, WITH CONTRACTURES; NEURONOPATHY, DISTAL HEREDITARY MOTOR, TYPE VIII; NEUROPATHY, DISTAL HEREDITARY MOTOR, TYPE VIII; Autosomal dominant congenital benign spinal muscular atrophy. Identifiers: Orphanet 1216, MedGen C1838492, MONDO:0010839, OMIM 600175.
Sodium serum level quantitative trait locus 1 (SSQTL1). Identifiers: MedGen C3150755, OMIM 613508.
Familial digital arthropathy-brachydactyly. Identifiers: Orphanet 85169, MedGen C1847406, MONDO:0011732, OMIM 606835.
Charcot-Marie-Tooth disease axonal type 2C (HMSN2C). Also called: Charcot-Marie-Tooth Disease Type 2, TRPV4-Related (CMT2C); CHARCOT-MARIE-TOOTH DISEASE, AXONAL, AUTOSOMAL DOMINANT, TYPE 2C; Charcot-Marie-Tooth Neuropathy Type 2C. Identifiers: Orphanet 99937, MedGen C1853710, MONDO:0011633, OMIM 606071.
Connective tissue disorder. Also called: Connective tissue disease. Identifiers: MedGen C0009782, MONDO:0003900.

Allele frequency attached by ClinVar (database versions not stated): ExAC 0.00690; gnomAD 0.02337 and 0.02158; ESP Exome Variant Server 0.02346; gnomAD exomes 0.00551; 1000 Genomes Project 30x 0.01905; TOPMed 0.02512; 1000 Genomes Project 0.01857.
gnomAD v4.1: 6,474 of 1,607,900 alleles (0.4%); highest among the groups gnomAD compares: African/African-American, 7.8%; 268 homozygotes.

Submissions (15):

Labcorp Genetics (formerly Invitae), Labcorp
Classification: Benign for Charcot-Marie-Tooth disease axonal type 2C. Last evaluated: 2026-01-27. Review status: criteria provided, single submitter. Criteria: Invitae Variant Classification Sherloc (09022015). Collection method: clinical testing. Allele origin: germline.

ARUP Laboratories, Molecular Genetics and Genomics, ARUP Laboratories
Classification: Benign. Last evaluated: 2025-06-20. Review status: criteria provided, single submitter. Criteria: ARUP Molecular Germline Variant Investigation Process 2024. Collection method: clinical testing. Allele origin: germline.

Genome Diagnostics Laboratory, The Hospital for Sick Children
Classification: Benign for Connective tissue disorder. Last evaluated: 2022-02-10. Review status: criteria provided, single submitter. Criteria: ACMG Guidelines, 2015. Collection method: clinical testing. Allele origin: germline.

Fulgent Genetics
Classification: Likely benign for Brachyrachia (short spine dysplasia); Metatropic dysplasia; Parastremmatic dwarfism; Scapuloperoneal spinal muscular atrophy; Spondyloepimetaphyseal dysplasia, Maroteaux type; Spondylometaphyseal dysplasia, Kozlowski type; Neuronopathy, distal hereditary motor, autosomal dominant 8; Charcot-Marie-Tooth disease axonal type 2C; Familial digital arthropathy-brachydactyly; Sodium serum level quantitative trait locus 1; Avascular necrosis of femoral head, primary, 2. Last evaluated: 2021-08-06. Review status: criteria provided, single submitter. Criteria: ACMG Guidelines, 2015. Collection method: clinical testing. Allele origin: unknown.

Illumina Laboratory Services, Illumina
Classification: Benign for Spondylometaphyseal dysplasia, Kozlowski type. Last evaluated: 2018-01-13. Review status: criteria provided, single submitter. Criteria: ICSL Variant Classification Criteria 13 December 2019. Collection method: clinical testing. Allele origin: germline.
Comment: This variant was observed in the ICSL laboratory as part of a predisposition screen in an ostensibly healthy population. It had not been previously curated by ICSL or reported in the Human Gene Mutation Database (HGMD: prior to June 1st, 2018), and was therefore a candidate for classification through an automated scoring system. Utilizing variant allele frequency, disease prevalence and penetrance estimates, and inheritance mode, an automated score was calculated to assess if this variant is too frequent to cause the disease. Based on the score and internal cut-off values, a variant classified as benign is not then subjected to further curation. The score for this variant resulted in a classification of benign for this disease.

Illumina Laboratory Services, Illumina
Classification: Benign for Scapuloperoneal spinal muscular atrophy. Last evaluated: 2018-01-13. Review status: criteria provided, single submitter. Criteria: ICSL Variant Classification Criteria 13 December 2019. Collection method: clinical testing. Allele origin: germline.
Comment: the same text as in the submission from Illumina Laboratory Services, Illumina above.

Illumina Laboratory Services, Illumina
Classification: Benign for Charcot-Marie-Tooth disease axonal type 2C. Last evaluated: 2018-01-13. Review status: criteria provided, single submitter. Criteria: ICSL Variant Classification Criteria 13 December 2019. Collection method: clinical testing. Allele origin: germline.
Comment: the same text as in the submission from Illumina Laboratory Services, Illumina above.

Illumina Laboratory Services, Illumina
Classification: Benign for Neuronopathy, distal hereditary motor, autosomal dominant 8. Last evaluated: 2018-01-13. Review status: criteria provided, single submitter. Criteria: ICSL Variant Classification Criteria 13 December 2019. Collection method: clinical testing. Allele origin: germline.
Comment: the same text as in the submission from Illumina Laboratory Services, Illumina above.

Illumina Laboratory Services, Illumina
Classification: Benign for Brachyrachia (short spine dysplasia). Last evaluated: 2018-01-13. Review status: criteria provided, single submitter. Criteria: ICSL Variant Classification Criteria 13 December 2019. Collection method: clinical testing. Allele origin: germline.
Comment: the same text as in the submission from Illumina Laboratory Services, Illumina above.

Illumina Laboratory Services, Illumina
Classification: Benign for Metatropic dysplasia. Last evaluated: 2018-01-13. Review status: criteria provided, single submitter. Criteria: ICSL Variant Classification Criteria 13 December 2019. Collection method: clinical testing. Allele origin: germline.
Comment: the same text as in the submission from Illumina Laboratory Services, Illumina above.

Athena Diagnostics
Classification: Benign. Last evaluated: 2017-09-20. Review status: criteria provided, single submitter. Criteria: Athena Diagnostics Criteria. Collection method: clinical testing. Allele origin: germline.

Mayo Clinic Laboratories, Mayo Clinic
Classification: Benign. Last evaluated: 2016-05-31. Review status: criteria provided, single submitter. Criteria: ACMG Guidelines, 2015. Collection method: clinical testing. Allele origin: germline. Observed: 21 variant alleles.

GeneDx
Classification: Benign. Last evaluated: 2016-02-02. Review status: criteria provided, single submitter. Criteria: GeneDx Variant Classification (06012015). Collection method: clinical testing. Allele origin: germline. Affected: yes.
Comment: This variant is considered likely benign or benign based on one or more of the following criteria: it is a conservative change, it occurs at a poorly conserved position in the protein, it is predicted to be benign by multiple in silico algorithms, and/or has population frequency not consistent with disease.

Breakthrough Genomics
Classification: Benign. Review status: criteria provided, single submitter. Criteria: ACMG Guidelines, 2015. Collection method: not provided. Allele origin: germline. Inheritance: Autosomal dominant inheritance. Affected: yes.

Molecular Genetics Laboratory, London Health Sciences Centre
Classification: Benign for Charcot-Marie-Tooth disease. Review status: criteria provided, single submitter. Criteria: ACMG Guidelines, 2015. Collection method: clinical testing. Allele origin: germline. Affected: yes.

NM_021625.5(TRPV4):c.854-5C>T

Gene: TRPV4 (transient receptor potential cation channel subfamily V member 4; minus strand). Cytogenetic location: 12q24.11.
Variant type: single nucleotide variant.
Coding change: c.854-5C>T on transcript NM_021625.5 (MANE Select); 5 bases into the intron before coding-DNA position 854, C replaced by T.
Molecular consequence: intron variant.
Genome position (GRCh38, 1-based): chr12:109,798,917, G>A on the plus strand (C>T on the coding strand, the complement: TRPV4 is on the minus strand). VCF-style: chr12-109798917-G-A. GRCh37 (hg19) VCF-style: chr12-110236722-G-A.
Other names: p.?; c.713-5C>T (NM_001177433.1, NM_001177428.1); c.854-5C>T (NM_147204.2); c.752-5C>T (NM_001177431.1).
Identifiers: ClinVar variation 307136 (VCV000307136.37), dbSNP rs116401333, ClinGen allele CA6780397.